The following is an entry in ClinVar:

NM_000088.4(COL1A1):c.2018C>A (p.Ser673Tyr)

Gene: COL1A1 (collagen type I alpha 1 chain; minus strand). Cytogenetic location: 17q21.33.
Variant type: single nucleotide variant.
Coding change: c.2018C>A on transcript NM_000088.4 (MANE Select); coding-DNA position 2018, C replaced by A.
Protein change: p.Ser673Tyr; replaces serine 673 with tyrosine.
Molecular consequence: missense variant.
Genome position (GRCh38, 1-based): chr17:50,191,990, G>T on the plus strand (C>A on the coding strand, the complement: COL1A1 is on the minus strand). VCF-style: chr17-50191990-G-T. GRCh37 (hg19) VCF-style: chr17-48269351-G-T.
Other names: short protein forms S673Y.
Identifiers: ClinVar variation 1476817 (VCV001476817.8), dbSNP rs1263860713, ClinGen allele CA400212283.

ClinVar aggregate classification (germline): Uncertain significance (1 of 4 stars; one submission).

Conditions:
Osteogenesis imperfecta type I (OI1). Also called: Lobstein's Disease; Classic Non-deforming Osteogenesis Imperfecta with Blue Sclerae; OI, TYPE I; OSTEOGENESIS IMPERFECTA TARDA; OSTEOGENESIS IMPERFECTA WITH BLUE SCLERAE; Osteogenesis imperfecta type 1. Identifiers: Orphanet 216796, Orphanet 666, MedGen C0023931, MONDO:0008146, OMIM 166200. Disease mechanism: loss of function.

Submission:

Labcorp Genetics (formerly Invitae), Labcorp
Classification: Uncertain significance for Osteogenesis imperfecta type I. Last evaluated: 2022-02-08. Review status: criteria provided, single submitter. Criteria: Invitae Variant Classification Sherloc (09022015). Collection method: clinical testing. Allele origin: germline.
Comment: In summary, the available evidence is currently insufficient to determine the role of this variant in disease. Therefore, it has been classified as a Variant of Uncertain Significance. Advanced modeling of protein sequence and biophysical properties (such as structural, functional, and spatial information, amino acid conservation, physicochemical variation, residue mobility, and thermodynamic stability) performed at Invitae indicates that this missense variant is not expected to disrupt COL1A1 protein function. This variant has not been reported in the literature in individuals affected with COL1A1-related conditions. This variant is not present in population databases (gnomAD no frequency). This sequence change replaces serine, which is neutral and polar, with tyrosine, which is neutral and polar, at codon 673 of the COL1A1 protein (p.Ser673Tyr).